The following is an entry in ClinVar:

ClinVar aggregate classification (germline): Uncertain significance. Review status: criteria provided, multiple submitters, no conflicts (2 of 4 stars). 2 submissions from 2 submitters: Uncertain significance (2). Last evaluated 2024-12-27.

Conditions:
HNF1B-related disorder. Also called: HNF1B-related condition; HNF1B-related disorders.

gnomAD v4.1: 10 of 1,614,162 alleles (0.00062%); highest among the groups gnomAD compares: South Asian, 0.0022%; no homozygotes.

Submissions (2):

PreventionGenetics, part of Exact Sciences
Classification: Uncertain significance for HNF1B-related condition. Last evaluated: 2024-12-27. Review status: criteria provided, single submitter. Criteria: ACMG Guidelines, 2015. Collection method: clinical testing. Allele origin: germline.
Comment: The HNF1B c.1330A>G variant is predicted to result in the amino acid substitution p.Ile444Val. To our knowledge, this variant has not been reported in the literature. This variant is reported in 0.0033% of alleles in individuals of South Asian descent in gnomAD. At this time, the clinical significance of this variant is uncertain due to the absence of conclusive functional and genetic evidence.

Labcorp Genetics (formerly Invitae), Labcorp
Classification: Uncertain significance. Last evaluated: 2024-08-14. Review status: criteria provided, single submitter. Criteria: Invitae Variant Classification Sherloc (09022015). Collection method: clinical testing. Allele origin: germline.
Comment: This sequence change replaces isoleucine, which is neutral and non-polar, with valine, which is neutral and non-polar, at codon 444 of the HNF1B protein (p.Ile444Val). This variant is present in population databases (rs768424318, gnomAD 0.003%). This variant has not been reported in the literature in individuals affected with HNF1B-related conditions. Invitae Evidence Modeling of protein sequence and biophysical properties (such as structural, functional, and spatial information, amino acid conservation, physicochemical variation, residue mobility, and thermodynamic stability) indicates that this missense variant is not expected to disrupt HNF1B protein function with a negative predictive value of 80%. In summary, the available evidence is currently insufficient to determine the role of this variant in disease. Therefore, it has been classified as a Variant of Uncertain Significance.

NM_000458.4(HNF1B):c.1330A>G (p.Ile444Val)

Gene: HNF1B (HNF1 homeobox B; minus strand). Cytogenetic location: 17q12.
Variant type: single nucleotide variant.
Coding change: c.1330A>G on transcript NM_000458.4 (MANE Select); coding-DNA position 1330, A replaced by G.
Protein change: p.Ile444Val; replaces isoleucine 444 with valine.
Molecular consequence: missense variant.
Genome position (GRCh38, 1-based): chr17:37,704,926, T>C on the plus strand (A>G on the coding strand, the complement: HNF1B is on the minus strand). VCF-style: chr17-37704926-T-C. GRCh37 (hg19) VCF-style: chr17-36064933-T-C.
Other names: c.1330A>G (NM_000458.3); c.1252A>G, p.Ile418Val (NM_001165923.4, NM_001304286.2); c.1330A>G, p.Ile444Val (NM_001411100.1); short protein forms I418V, I444V.
Identifiers: ClinVar variation 3713624 (VCV003713624.3).